The following is an entry in ClinVar:

ClinVar aggregate classification (germline): Uncertain significance (1 of 4 stars; one submission).

Submission:

Labcorp Genetics (formerly Invitae), Labcorp
Classification: Uncertain significance. Last evaluated: 2022-08-19. Review status: criteria provided, single submitter. Criteria: Invitae Variant Classification Sherloc (09022015). Collection method: clinical testing. Allele origin: germline.
Comment: In summary, the available evidence is currently insufficient to determine the role of this variant in disease. Therefore, it has been classified as a Variant of Uncertain Significance. Algorithms developed to predict the effect of sequence changes on RNA splicing suggest that this variant may disrupt the consensus splice site. This variant has not been reported in the literature in individuals affected with MYO7A-related conditions. This variant is not present in population databases (gnomAD no frequency). This sequence change affects codon 1371 of the MYO7A mRNA. It is a 'silent' change, meaning that it does not change the encoded amino acid sequence of the MYO7A protein.

NM_000260.4(MYO7A):c.4113G>A (p.Val1371=)

Gene: MYO7A (myosin VIIA; plus strand). Cytogenetic location: 11q13.5.
Variant type: single nucleotide variant.
Coding change: c.4113G>A on transcript NM_000260.4 (MANE Select); coding-DNA position 4113, G replaced by A.
Protein change: p.Val1371=; no amino-acid change (valine 1371 retained).
Molecular consequence: synonymous variant.
Genome position (GRCh38, 1-based): chr11:77,192,239, G>A. VCF-style: chr11-77192239-G-A. GRCh37 (hg19) VCF-style: chr11-76903284-G-A.
Other names: c.4113G>A, p.Val1371= (NM_001127180.2); c.4080G>A, p.Val1360= (NM_001369365.1).
Identifiers: ClinVar variation 2024618 (VCV002024618.4), dbSNP rs2497413491, ClinGen allele CA475887251.